The following is an entry in ClinVar:

NM_006269.2(RP1):c.3259A>T (p.Met1087Leu)

Gene: RP1 (RP1 axonemal microtubule associated; plus strand). Cytogenetic location: 8q12.1.
Variant type: single nucleotide variant.
Coding change: c.3259A>T on transcript NM_006269.2 (MANE Select); coding-DNA position 3259, A replaced by T.
Protein change: p.Met1087Leu; replaces methionine 1087 with leucine.
Molecular consequence: missense variant. On other transcripts: intron variant (1).
Genome position (GRCh38, 1-based): chr8:54,627,141, A>T. VCF-style: chr8-54627141-A-T. GRCh37 (hg19) VCF-style: chr8-55539701-A-T.
Other names: c.787+4853A>T (NM_001375654.1); short protein forms M1087L.
Identifiers: ClinVar variation 3617780 (VCV003617780.2).
Genomic context (GRCh38, chr8:54,627,141, plus strand): 5'-GCTGCCATTCAAGTAGATCCTATAGAAGAGGAAACTCCAAAAGACCTCTTACCAGTCCTG[A>T]TGCTTCACCAATTGCAAGCTTCAGTTCCTGGTATTCACAAGACTCAGAATGGAGTTGTTC-3'
Protein context (NP_006260.1, residues 1077-1097): ETPKDLLPVL[Met1087Leu]LHQLQASVPG

ClinVar aggregate classification (germline): Uncertain significance (1 of 4 stars; one submission).

Submission:

Labcorp Genetics (formerly Invitae), Labcorp
Classification: Uncertain significance. Last evaluated: 2024-09-27. Review status: criteria provided, single submitter. Criteria: Invitae Variant Classification Sherloc (09022015). Collection method: clinical testing. Allele origin: germline.
Comment: This sequence change replaces methionine, which is neutral and non-polar, with leucine, which is neutral and non-polar, at codon 1087 of the RP1 protein (p.Met1087Leu). This variant is not present in population databases (gnomAD no frequency). This variant has not been reported in the literature in individuals affected with RP1-related conditions. An algorithm developed to predict the effect of missense changes on protein structure and function outputs the following: PolyPhen-2: "Benign". The leucine amino acid residue is found in multiple mammalian species, which suggests that this missense change does not adversely affect protein function. In summary, the available evidence is currently insufficient to determine the role of this variant in disease. Therefore, it has been classified as a Variant of Uncertain Significance.